The following is an entry in ClinVar:

ClinVar aggregate classification (germline): Uncertain significance (1 of 4 stars; one submission).

Conditions:
Nemaline myopathy 2 (NEM2). Also called: Nemaline myopathy 2, autosomal recessive. Identifiers: MedGen C1850569, MONDO:0009725, OMIM 256030.

Allele frequency attached by ClinVar (database versions not stated): TOPMed below 0.00001.

Submission:

Labcorp Genetics (formerly Invitae), Labcorp
Classification: Uncertain significance for Nemaline myopathy 2. Last evaluated: 2022-02-21. Review status: criteria provided, single submitter. Criteria: Invitae Variant Classification Sherloc (09022015). Collection method: clinical testing. Allele origin: germline.
Comment: This sequence change replaces lysine, which is basic and polar, with glutamic acid, which is acidic and polar, at codon 1607 of the NEB protein (p.Lys1607Glu). This variant is not present in population databases (gnomAD no frequency). This variant has not been reported in the literature in individuals affected with NEB-related conditions. Algorithms developed to predict the effect of missense changes on protein structure and function are either unavailable or do not agree on the potential impact of this missense change (SIFT: "Deleterious"; PolyPhen-2: "Not Available"; Align-GVGD: "Class C0"). In summary, the available evidence is currently insufficient to determine the role of this variant in disease. Therefore, it has been classified as a Variant of Uncertain Significance.

NM_001164508.2(NEB):c.4819A>G (p.Lys1607Glu)

Gene: NEB (nebulin; minus strand). Cytogenetic location: 2q23.3.
Variant type: single nucleotide variant.
Coding change: c.4819A>G on transcript NM_001164508.2 (MANE Select); coding-DNA position 4819, A replaced by G.
Protein change: p.Lys1607Glu; replaces lysine 1607 with glutamic acid.
Molecular consequence: missense variant.
Genome position (GRCh38, 1-based): chr2:151,666,302, T>C on the plus strand (A>G on the coding strand, the complement: NEB is on the minus strand). VCF-style: chr2-151666302-T-C. GRCh37 (hg19) VCF-style: chr2-152522816-T-C.
Other names: c.4819A>G, p.Lys1607Glu (NM_001164507.2, NM_001271208.2, NM_004543.5); short protein forms K1607E.
Identifiers: ClinVar variation 2101338 (VCV002101338.1), dbSNP rs1338334107, ClinGen allele CA348813824.